The following is an entry in ClinVar:

ClinVar aggregate classification (germline): Pathogenic (1 of 4 stars; one submission).

Conditions:
Osteogenesis imperfecta type I (OI1). Also called: Osteogenesis imperfecta type 1; Classic Non-deforming Osteogenesis Imperfecta with Blue Sclerae; Lobstein disease; OI, TYPE I; OSTEOGENESIS IMPERFECTA TARDA; OSTEOGENESIS IMPERFECTA WITH BLUE SCLERAE. Identifiers: Orphanet 216796, Orphanet 666, MedGen C0023931, MONDO:0008146, OMIM 166200. Disease mechanism: loss of function.

Submission:

Laboratory of Medical Genetics, National & Kapodistrian University of Athens
Classification: Pathogenic for Osteogenesis imperfecta type I. Last evaluated: 2021-10-01. Review status: criteria provided, single submitter. Criteria: ACMG Guidelines, 2015. Collection method: clinical testing. Allele origin: unknown. Affected: yes.
Comment: PVS1, PM2, PP3

Literature cited by the submitters: PubMed 34008892.

NM_000088.4(COL1A1):c.1920del (p.Gly641fs)

Gene: COL1A1 (collagen type I alpha 1 chain; minus strand). Cytogenetic location: 17q21.33.
Variant type: Deletion.
Coding change: c.1920del on transcript NM_000088.4 (MANE Select); coding-DNA position 1920, one base deleted (C; older notation c.1920delC).
Protein change: p.Gly641fs; shifts the reading frame from glycine 641.
Molecular consequence: frameshift variant.
Genome position (GRCh38, 1-based): chr17:50,192,649, G deleted on the plus strand (C on the coding strand, the reverse complement: COL1A1 is on the minus strand); the first of 5 consecutive G bases (chr17:50,192,649-50,192,653); deleting any one gives the same sequence. VCF-style (leftmost placement, unchanged base first): chr17-50192648-CG-C. GRCh37 (hg19) VCF-style: chr17-48270009-CG-C.
Other names: c.1920delC (NM_000088.4); short protein forms G641fs.
Identifiers: ClinVar variation 1299522 (VCV001299522.1), dbSNP rs2144563732, ClinGen allele CA2499224728.